The following is an entry in ClinVar:

ClinVar aggregate classification (germline): Uncertain significance (1 of 4 stars; one submission).

Conditions:
Congenital myasthenic syndrome 5. Identifiers: Orphanet 590, MedGen C1864233, MONDO:0011281, OMIM 603034.

Allele frequency attached by ClinVar (database versions not stated): gnomAD exomes below 0.00001.
gnomAD v4.1: 1 of 1,614,090 alleles (0.000062%); highest among the groups gnomAD compares: Non-Finnish European, 0.000085%; no homozygotes.

Submission:

Labcorp Genetics (formerly Invitae), Labcorp
Classification: Uncertain significance for Congenital myasthenic syndrome 5. Last evaluated: 2022-03-18. Review status: criteria provided, single submitter. Criteria: Invitae Variant Classification Sherloc (09022015). Collection method: clinical testing. Allele origin: germline.
Comment: This sequence change replaces proline, which is neutral and non-polar, with serine, which is neutral and polar, at codon 221 of the COLQ protein (p.Pro221Ser). This variant is not present in population databases (gnomAD no frequency). This variant has not been reported in the literature in individuals affected with COLQ-related conditions. ClinVar contains an entry for this variant (Variation ID: 1002338). Algorithms developed to predict the effect of missense changes on protein structure and function output the following: SIFT: "Tolerated"; PolyPhen-2: "Not Available"; Align-GVGD: "Class C0". The serine amino acid residue is found in multiple mammalian species, which suggests that this missense change does not adversely affect protein function. In summary, the available evidence is currently insufficient to determine the role of this variant in disease. Therefore, it has been classified as a Variant of Uncertain Significance.

NM_005677.4(COLQ):c.661C>T (p.Pro221Ser)

Gene: COLQ (collagen like tail subunit of asymmetric acetylcholinesterase; minus strand). Cytogenetic location: 3p25.1.
Variant type: single nucleotide variant.
Coding change: c.661C>T on transcript NM_005677.4 (MANE Select); coding-DNA position 661, C replaced by T.
Protein change: p.Pro221Ser; replaces proline 221 with serine.
Molecular consequence: missense variant.
Genome position (GRCh38, 1-based): chr3:15,470,592, G>A on the plus strand (C>T on the coding strand, the complement: COLQ is on the minus strand). VCF-style: chr3-15470592-G-A. GRCh37 (hg19) VCF-style: chr3-15512099-G-A.
Other names: c.631C>T, p.Pro211Ser (NM_080538.2); c.559C>T, p.Pro187Ser (NM_080539.4); short protein forms P187S, P211S, P221S.
Identifiers: ClinVar variation 1002338 (VCV001002338.6), dbSNP rs2062265717, ClinGen allele CA351598080.